The following is an entry in ClinVar:

ClinVar aggregate classification (germline): Conflicting classifications of pathogenicity. Review status: criteria provided, conflicting classifications (1 of 4 stars). 3 submissions from 3 submitters: Uncertain significance (2); Likely benign (1). Last evaluated 2025-08-18.

Conditions:
Hereditary nonpolyposis colorectal neoplasms. Identifiers: MedGen C0009405, MeSH D003123.
Hereditary cancer-predisposing syndrome. Also called: Neoplastic Syndromes, Hereditary; Tumor predisposition; Hereditary Cancer Syndrome; Hereditary neoplastic syndrome. Identifiers: Orphanet 140162, MedGen C0027672, MeSH D009386, MONDO:0015356.

Allele frequency attached by ClinVar (database versions not stated): gnomAD exomes below 0.00001.
gnomAD v4.1: 1 of 1,613,800 alleles (0.000062%); highest among the groups gnomAD compares: Admixed American, 0.0017%; no homozygotes.

Submissions (3):

Labcorp Genetics (formerly Invitae), Labcorp
Classification: Uncertain significance for Hereditary nonpolyposis colorectal neoplasms. Last evaluated: 2025-08-18. Review status: criteria provided, single submitter. Criteria: Invitae Variant Classification Sherloc (09022015). Collection method: clinical testing. Allele origin: germline.
Comment: This sequence change replaces glycine, which is neutral and non-polar, with valine, which is neutral and non-polar, at codon 641 of the PMS2 protein (p.Gly641Val). This variant is not present in population databases (gnomAD no frequency). This variant has not been reported in the literature in individuals affected with PMS2-related conditions. ClinVar contains an entry for this variant (Variation ID: 525837). Invitae Evidence Modeling incorporating data from in vitro experimental studies (internal data) indicates that this missense variant is not expected to disrupt PMS2 function with a negative predictive value of 95%. In summary, the available evidence is currently insufficient to determine the role of this variant in disease. Therefore, it has been classified as a Variant of Uncertain Significance.

Ambry Genetics
Classification: Likely benign for Hereditary cancer-predisposing syndrome. Last evaluated: 2025-02-07. Review status: criteria provided, single submitter. Criteria: Ambry Variant Classification Scheme 2023. Collection method: clinical testing. Allele origin: germline.

Color Diagnostics, LLC DBA Color Health
Classification: Uncertain significance for Hereditary cancer-predisposing syndrome. Last evaluated: 2022-01-20. Review status: criteria provided, single submitter. Criteria: ACMG Guidelines, 2015. Collection method: clinical testing. Allele origin: germline.
Comment: This missense variant replaces glycine with valine at codon 641 of the PMS2 protein. Computational prediction suggests that this variant may not impact protein structure and function (internally defined REVEL score threshold <= 0.5, PMID: 27666373). To our knowledge, functional studies have not been reported for this variant. This variant has not been reported in individuals affected with hereditary cancer in the literature. This variant has not been identified in the general population by the Genome Aggregation Database (gnomAD). The available evidence is insufficient to determine the role of this variant in disease conclusively. Therefore, this variant is classified as a Variant of Uncertain Significance.

NM_000535.7(PMS2):c.1922G>T (p.Gly641Val)

Gene: PMS2 (PMS1 homolog 2, mismatch repair system component; minus strand). Cytogenetic location: 7p22.1.
Variant type: single nucleotide variant.
Coding change: c.1922G>T on transcript NM_000535.7 (MANE Select); coding-DNA position 1922, G replaced by T.
Protein change: p.Gly641Val; replaces glycine 641 with valine.
Molecular consequence: missense variant. On other transcripts: non-coding transcript variant (1).
Genome position (GRCh38, 1-based): chr7:5,986,843, C>A on the plus strand (G>T on the coding strand, the complement: PMS2 is on the minus strand). VCF-style: chr7-5986843-C-A. GRCh37 (hg19) VCF-style: chr7-6026474-C-A.
Other names: c.1517G>T, p.Gly506Val (NM_001322003.2, NM_001322004.2, NM_001322005.2 and 1 more transcripts); c.1766G>T, p.Gly589Val (NM_001322006.2); c.1604G>T, p.Gly535Val (NM_001322007.2, NM_001322008.2); c.1361G>T, p.Gly454Val (NM_001322010.2); c.989G>T, p.Gly330Val (NM_001322011.2, NM_001322012.2); c.1349G>T, p.Gly450Val (NM_001322013.2); c.1922G>T, p.Gly641Val (NM_001322014.2); c.1613G>T, p.Gly538Val (NM_001322015.2); short protein forms G641V, G506V, G589V, G330V, G535V, G450V, G454V, G538V.
Identifiers: ClinVar variation 525837 (VCV000525837.18), dbSNP rs1554297114, ClinGen allele CA366739239.